The following is an entry in ClinVar:

ClinVar aggregate classification (germline): Uncertain significance (1 of 4 stars; one submission).

Allele frequency attached by ClinVar (database versions not stated): gnomAD exomes below 0.00001.
gnomAD v4.1: 2 of 1,030,156 alleles (0.00019%); highest among the groups gnomAD compares: Non-Finnish European, 0.00023%; no homozygotes.

Submission:

Labcorp Genetics (formerly Invitae), Labcorp
Classification: Uncertain significance. Last evaluated: 2024-02-24. Review status: criteria provided, single submitter. Criteria: Invitae Variant Classification Sherloc (09022015). Collection method: clinical testing. Allele origin: germline.
Comment: This sequence change replaces glycine, which is neutral and non-polar, with arginine, which is basic and polar, at codon 39 of the KMT2B protein (p.Gly39Arg). The frequency data for this variant in the population databases is considered unreliable, as metrics indicate insufficient coverage at this position in the gnomAD database. This variant has not been reported in the literature in individuals affected with KMT2B-related conditions. ClinVar contains an entry for this variant (Variation ID: 1999010). Advanced modeling of protein sequence and biophysical properties (such as structural, functional, and spatial information, amino acid conservation, physicochemical variation, residue mobility, and thermodynamic stability) performed at Invitae indicates that this missense variant is expected to disrupt KMT2B protein function with a positive predictive value of 80%. In summary, the available evidence is currently insufficient to determine the role of this variant in disease. Therefore, it has been classified as a Variant of Uncertain Significance.

NM_014727.3(KMT2B):c.115G>C (p.Gly39Arg)

Gene: KMT2B (lysine methyltransferase 2B; plus strand). Cytogenetic location: 19q13.12.
Variant type: single nucleotide variant.
Coding change: c.115G>C on transcript NM_014727.3 (MANE Select); coding-DNA position 115, G replaced by C.
Protein change: p.Gly39Arg; replaces glycine 39 with arginine.
Molecular consequence: missense variant.
Genome position (GRCh38, 1-based): chr19:35,718,133, G>C. VCF-style: chr19-35718133-G-C. GRCh37 (hg19) VCF-style: chr19-36209035-G-C.
Other names: short protein forms G39R.
Identifiers: ClinVar variation 1999010 (VCV001999010.4), dbSNP rs2513306341, ClinGen allele CA405374593.